The following is an entry in ClinVar:

NM_001379286.1(ZNF423):c.148C>G (p.Leu50Val)

Gene: ZNF423 (zinc finger protein 423; minus strand). Cytogenetic location: 16q12.1.
Variant type: single nucleotide variant.
Coding change: c.148C>G on transcript NM_001379286.1 (MANE Select); coding-DNA position 148, C replaced by G.
Protein change: p.Leu50Val; replaces leucine 50 with valine.
Molecular consequence: missense variant. On other transcripts: 5 prime UTR variant (1).
Genome position (GRCh38, 1-based): chr16:49,730,924, G>C on the plus strand (C>G on the coding strand, the complement: ZNF423 is on the minus strand). VCF-style: chr16-49730924-G-C. GRCh37 (hg19) VCF-style: chr16-49764835-G-C.
Other names: c.-57C>G (NM_001271620.2); c.124C>G, p.Leu42Val (NM_015069.5); short protein forms L42V, L50V.
Identifiers: ClinVar variation 1432355 (VCV001432355.3), dbSNP rs142138944, ClinGen allele CA281229455.

ClinVar aggregate classification (germline): Uncertain significance (1 of 4 stars; one submission).

Conditions:
Nephronophthisis 14 (NPHP14). Identifiers: Orphanet 2318, MedGen C3539071, MONDO:0013916, OMIM 614844.

Allele frequency attached by ClinVar (database versions not stated): gnomAD exomes below 0.00001 and 0.00001; gnomAD 0.00005; TOPMed 0.00006; ESP Exome Variant Server 0.00015.
gnomAD v4.1: 16 of 1,614,090 alleles (0.00099%); highest among the groups gnomAD compares: African/African-American, 0.011%; no homozygotes.

Submission:

Labcorp Genetics (formerly Invitae), Labcorp
Classification: Uncertain significance for Nephronophthisis 14. Last evaluated: 2022-02-17. Review status: criteria provided, single submitter. Criteria: Invitae Variant Classification Sherloc (09022015). Collection method: clinical testing. Allele origin: germline.
Comment: This sequence change replaces leucine, which is neutral and non-polar, with valine, which is neutral and non-polar, at codon 42 of the ZNF423 protein (p.Leu42Val). This variant is present in population databases (rs142138944, gnomAD 0.02%). This variant has not been reported in the literature in individuals affected with ZNF423-related conditions. Algorithms developed to predict the effect of missense changes on protein structure and function are either unavailable or do not agree on the potential impact of this missense change (SIFT: "Deleterious"; PolyPhen-2: "Benign"; Align-GVGD: "Class C0"). In summary, the available evidence is currently insufficient to determine the role of this variant in disease. Therefore, it has been classified as a Variant of Uncertain Significance.